The following is an entry in ClinVar:

ClinVar aggregate classification (germline): Uncertain significance (1 of 4 stars; one submission).

Conditions:
DOCK2 deficiency. Also called: Immunodeficiency 40. Identifiers: Orphanet 447737, MedGen C4225328, MONDO:0014637, OMIM 616433.

Allele frequency attached by ClinVar (database versions not stated): gnomAD exomes below 0.00001; TOPMed below 0.00001; ExAC 0.00001; gnomAD 0.00001.
gnomAD v4.1: 8 of 1,613,982 alleles (0.0005%); highest among the groups gnomAD compares: African/African-American, 0.0013%; no homozygotes.

Submission:

Labcorp Genetics (formerly Invitae), Labcorp
Classification: Uncertain significance for DOCK2 deficiency. Last evaluated: 2024-02-24. Review status: criteria provided, single submitter. Criteria: Invitae Variant Classification Sherloc (09022015). Collection method: clinical testing. Allele origin: germline.
Comment: This sequence change replaces arginine, which is basic and polar, with histidine, which is basic and polar, at codon 1364 of the DOCK2 protein (p.Arg1364His). This variant is present in population databases (rs769663046, gnomAD 0.0009%). This variant has not been reported in the literature in individuals affected with DOCK2-related conditions. ClinVar contains an entry for this variant (Variation ID: 963348). An algorithm developed to predict the effect of missense changes on protein structure and function (PolyPhen-2) suggests that this variant is likely to be disruptive. In summary, the available evidence is currently insufficient to determine the role of this variant in disease. Therefore, it has been classified as a Variant of Uncertain Significance.

NM_004946.3(DOCK2):c.4091G>A (p.Arg1364His)

Gene: DOCK2 (dedicator of cytokinesis 2; plus strand). Cytogenetic location: 5q35.1.
Variant type: single nucleotide variant.
Coding change: c.4091G>A on transcript NM_004946.3 (MANE Select); coding-DNA position 4091, G replaced by A.
Protein change: p.Arg1364His; replaces arginine 1364 with histidine.
Molecular consequence: missense variant. On other transcripts: non-coding transcript variant (1).
Genome position (GRCh38, 1-based): chr5:170,050,275, G>A. VCF-style: chr5-170050275-G-A. GRCh37 (hg19) VCF-style: chr5-169477279-G-A.
Other names: short protein forms R1364H.
Identifiers: ClinVar variation 963348 (VCV000963348.8), dbSNP rs769663046, ClinGen allele CA3554437.
Genomic context (GRCh38, chr5:170,050,275, plus strand): 5'-CCTGGGTCCCCAAATCTCTAATGAGCATCCTTTCTCTGCAGAACAAAGTGTTCATCTACC[G>A]CGGGAAGGAATATGAGCGAAGAGAAGATTTCCAGATGCAGCTGATGACCCAGTTCCCCAA-3'
Protein context (NP_004937.1, residues 1354-1374): SFLRNKVFIY[Arg1364His]GKEYERREDF